The following is an entry in ClinVar:

NM_006996.3(SLC19A2):c.-4C>T

Gene: SLC19A2 (solute carrier family 19 member 2; minus strand). Cytogenetic location: 1q24.2.
Variant type: single nucleotide variant.
Coding change: c.-4C>T on transcript NM_006996.3 (MANE Select); 4 bases upstream of the start codon, C replaced by T.
Molecular consequence: 5 prime UTR variant.
Genome position (GRCh38, 1-based): chr1:169,485,770, G>A on the plus strand (C>T on the coding strand, the complement: SLC19A2 is on the minus strand). VCF-style: chr1-169485770-G-A. GRCh37 (hg19) VCF-style: chr1-169455008-G-A.
Other names: c.-4C>T (NM_001319667.1).
Identifiers: ClinVar variation 130317 (VCV000130317.19), dbSNP rs2072757, ClinGen allele CA155212.

ClinVar aggregate classification (germline): Benign. Review status: criteria provided, multiple submitters, no conflicts (2 of 4 stars). 9 submissions from 9 submitters: Benign (7). 2 of the submissions do not count toward it. Last evaluated 2024-11-26.

Conditions:
Megaloblastic anemia, thiamine-responsive, with diabetes mellitus and sensorineural deafness (TRMA). Also called: Thiamine-Responsive Megaloblastic Anemia Syndrome; THIAMINE METABOLISM DYSFUNCTION SYNDROME 1 (MEGALOBLASTIC ANEMIA, DIABETES MELLITUS, AND DEAFNESS TYPE); ROGERS SYNDROME; THIAMINE-RESPONSIVE ANEMIA SYNDROME; THIAMINE-RESPONSIVE MYELODYSPLASIA. Identifiers: Orphanet 49827, MedGen C0342287, MONDO:0009575, OMIM 249270.

Allele frequency attached by ClinVar (database versions not stated): ESP Exome Variant Server 0.10630; gnomAD exomes 0.15022; gnomAD 0.16701 and 0.16749; TOPMed 0.17695; 1000 Genomes Project 0.19748; 1000 Genomes Project 30x 0.19894; ExAC 0.22343.
gnomAD v4.1: 189,612 of 1,529,132 alleles (12%); highest among the groups gnomAD compares: African/African-American, 29%; 14,292 homozygotes.

Submissions (9):

Blueprint Genetics
Classification: Benign. Last evaluated: 2024-11-26. Review status: criteria provided, single submitter. Criteria: ACMG Guidelines, 2015. Collection method: clinical testing. Allele origin: germline.

Mayo Clinic Laboratories, Mayo Clinic
Classification: Benign. Last evaluated: 2022-11-10. Review status: criteria provided, single submitter. Criteria: ACMG Guidelines, 2015. Collection method: clinical testing. Allele origin: germline. Observed: 41 variant alleles.

Genome-Nilou Lab
Classification: Benign for Megaloblastic anemia, thiamine-responsive, with diabetes mellitus and sensorineural deafness. Last evaluated: 2021-07-15. Review status: criteria provided, single submitter. Criteria: ACMG Guidelines, 2015. Collection method: clinical testing. Allele origin: germline. Affected: no.

Illumina Laboratory Services, Illumina
Classification: Benign for Megaloblastic anemia, thiamine-responsive, with diabetes mellitus and sensorineural deafness. Last evaluated: 2018-01-13. Review status: criteria provided, single submitter. Criteria: ICSL Variant Classification Criteria 13 December 2019. Collection method: clinical testing. Allele origin: germline.
Comment: This variant was observed in the ICSL laboratory as part of a predisposition screen in an ostensibly healthy population. It had not been previously curated by ICSL or reported in the Human Gene Mutation Database (HGMD: prior to June 1st, 2018), and was therefore a candidate for classification through an automated scoring system. Utilizing variant allele frequency, disease prevalence and penetrance estimates, and inheritance mode, an automated score was calculated to assess if this variant is too frequent to cause the disease. Based on the score and internal cut-off values, a variant classified as benign is not then subjected to further curation. The score for this variant resulted in a classification of benign for this disease.

GeneDx
Classification: Benign. Last evaluated: 2015-12-02. Review status: criteria provided, single submitter. Criteria: GeneDx Variant Classification (06012015). Collection method: clinical testing. Allele origin: germline. Affected: yes.
Comment: This variant is considered likely benign or benign based on one or more of the following criteria: it is a conservative change, it occurs at a poorly conserved position in the protein, it is predicted to be benign by multiple in silico algorithms, and/or has population frequency not consistent with disease.

Genetic Services Laboratory, University of Chicago
Classification: Benign for AllHighlyPenetrant. Last evaluated: 2013-04-15. Review status: criteria provided, single submitter. Criteria: ACMG Guidelines, 2007. Collection method: clinical testing. Allele origin: germline. Inheritance: Autosomal recessive inheritance.

Breakthrough Genomics
Classification: Benign. Review status: criteria provided, single submitter. Criteria: ACMG Guidelines, 2015. Collection method: not provided. Allele origin: germline. Inheritance: Autosomal recessive inheritance. Affected: yes.

Diagnostic Laboratory, Department of Genetics, University Medical Center Groningen
Classification: Benign. Review status: no assertion criteria provided. Collection method: clinical testing. Allele origin: germline. Affected: yes. Study: VKGL Data-share Consensus. Not counted in ClinVar's aggregate classification.

Joint Genome Diagnostic Labs from Nijmegen and Maastricht, Radboudumc and MUMC+
Classification: Benign. Review status: no assertion criteria provided. Collection method: clinical testing. Allele origin: germline. Affected: yes. Study: VKGL Data-share Consensus. Not counted in ClinVar's aggregate classification.